The following is an entry in ClinVar:

ClinVar aggregate classification (germline): Likely benign (1 of 4 stars; one submission).

Conditions:
Hypertrophic cardiomyopathy. Also called: HYPERTROPHIC MYOCARDIOPATHY. Identifiers: Orphanet 217569, MedGen C0007194, MeSH D002312, MONDO:0005045, HP:0001639.

Submission:

All of Us Research Program, National Institutes of Health
Classification: Likely benign for Hypertrophic cardiomyopathy. Last evaluated: 2023-10-02. Review status: criteria provided, single submitter. Criteria: ACMG Guidelines, 2015. Collection method: clinical testing. Allele origin: germline. Inheritance: Autosomal dominant inheritance. Observed: 1 variant allele, 1 heterozygote.
Comment: This study involves interpretation of variants in research participants for the purpose of population health screening. Participant phenotype was not available at the time of variant classification. Additional details can be found in publication PMID: 35346344, PMCID: PMC8962531

NM_016203.4(PRKAG2):c.846C>G (p.Val282=)

Gene: PRKAG2 (protein kinase AMP-activated non-catalytic subunit gamma 2; minus strand). Cytogenetic location: 7q36.1.
Variant type: single nucleotide variant.
Coding change: c.846C>G on transcript NM_016203.4 (MANE Select); coding-DNA position 846, C replaced by G.
Protein change: p.Val282=; no amino-acid change (valine 282 retained).
Molecular consequence: synonymous variant.
Genome position (GRCh38, 1-based): chr7:151,595,363, G>C on the plus strand (C>G on the coding strand, the complement: PRKAG2 is on the minus strand). VCF-style: chr7-151595363-G-C. GRCh37 (hg19) VCF-style: chr7-151292449-G-C.
Other names: c.123C>G, p.Val41= (NM_001304531.2, NM_001407034.1, NM_001407035.1 and 1 more transcripts); c.474C>G, p.Val158= (NM_001363698.2, NM_001407028.1); c.846C>G, p.Val282= (NM_001407021.1); c.843C>G, p.Val281= (NM_001407022.1, NM_001407023.1); c.714C>G, p.Val238= (NM_001407024.1, NM_001040633.2); c.711C>G, p.Val237= (NM_001407026.1, NM_001407027.1); c.471C>G, p.Val157= (NM_001407029.1, NM_001304527.2); c.558C>G, p.Val186= (NM_001407030.1); and 6 more.
Identifiers: ClinVar variation 3073645 (VCV003073645.1), dbSNP rs1563213791, ClinGen allele CA458670399.